The following is an entry in ClinVar:

NM_020680.4(SCYL1):c.1117-1G>A

Gene: SCYL1 (SCY1 like pseudokinase 1; plus strand). Cytogenetic location: 11q13.1.
Variant type: single nucleotide variant.
Coding change: c.1117-1G>A on transcript NM_020680.4 (MANE Select); the canonical splice acceptor site of the intron before coding-DNA position 1117, G replaced by A.
Molecular consequence: splice acceptor variant.
Genome position (GRCh38, 1-based): chr11:65,532,691, G>A. VCF-style: chr11-65532691-G-A. GRCh37 (hg19) VCF-style: chr11-65300162-G-A.
Other names: c.1117-1G>A (NM_001411022.1, NM_001048218.2).
Identifiers: ClinVar variation 2819156 (VCV002819156.3), dbSNP rs1481969607, ClinGen allele CA381262545.
Genomic context (GRCh38, chr11:65,532,691, plus strand): 5'-TGGCTATGGGGATAGAGTGGGAAGGGCTGACCATGTTGACGCATCCCAACCTGGGCCACA[G>A]ATGGAGCAGTTCATCCAGTACCTTGACGAGCCAACAGTCAACACCCAGATCTTCCCCCAC-3'

ClinVar aggregate classification (germline): Likely pathogenic (1 of 4 stars; one submission).

Allele frequency attached by ClinVar (database versions not stated): gnomAD exomes below 0.00001; gnomAD 0.00001; TOPMed 0.00001.
gnomAD v4.1: 8 of 1,612,968 alleles (0.0005%); highest among the groups gnomAD compares: African/African-American, 0.0013%; no homozygotes.

Submission:

Labcorp Genetics (formerly Invitae), Labcorp
Classification: Likely pathogenic. Last evaluated: 2023-08-27. Review status: criteria provided, single submitter. Criteria: Invitae Variant Classification Sherloc (09022015). Collection method: clinical testing. Allele origin: germline.
Comment: In summary, the currently available evidence indicates that the variant is pathogenic, but additional data are needed to prove that conclusively. Therefore, this variant has been classified as Likely Pathogenic. Algorithms developed to predict the effect of sequence changes on RNA splicing suggest that this variant may disrupt the consensus splice site. This variant has not been reported in the literature in individuals affected with SCYL1-related conditions. This variant is not present in population databases (gnomAD no frequency). This sequence change affects an acceptor splice site in intron 8 of the SCYL1 gene. It is expected to disrupt RNA splicing. Variants that disrupt the donor or acceptor splice site typically lead to a loss of protein function (PMID: 16199547), and loss-of-function variants in SCYL1 are known to be pathogenic (PMID: 23175812, 26581903).

Literature cited by the submitters: PubMed 16199547; PubMed 23175812; PubMed 26581903.